The following is an entry in ClinVar:

NM_017780.4(CHD7):c.6035A>T (p.Glu2012Val)

Gene: CHD7 (chromodomain helicase DNA binding protein 7; plus strand). Cytogenetic location: 8q12.2.
Variant type: single nucleotide variant.
Coding change: c.6035A>T on transcript NM_017780.4 (MANE Select); coding-DNA position 6035, A replaced by T.
Protein change: p.Glu2012Val; replaces glutamic acid 2012 with valine.
Molecular consequence: missense variant. On other transcripts: intron variant (1).
Genome position (GRCh38, 1-based): chr8:60,852,638, A>T. VCF-style: chr8-60852638-A-T. GRCh37 (hg19) VCF-style: chr8-61765197-A-T.
Other names: c.1717-9591A>T (NM_001316690.1); short protein forms E2012V.
Identifiers: ClinVar variation 1439188 (VCV001439188.6), dbSNP rs1805504949, ClinGen allele CA371323979.

ClinVar aggregate classification (germline): Likely pathogenic (1 of 4 stars; one submission).

Conditions:
CHARGE syndrome (CHARGE). Also called: Coloboma, heart anomaly, choanal atresia, retardation, genital and ear anomalies; CHARGE association; Hall-Hittner syndrome; Hittner Hirsch Kreh syndrome; CHARGE ASSOCIATION--COLOBOMA, HEART ANOMALY, CHOANAL ATRESIA, RETARDATION, GENITAL AND EAR ANOMALIES. Identifiers: Orphanet 138, MedGen C0265354, MONDO:0008965.

Submission:

Labcorp Genetics (formerly Invitae), Labcorp
Classification: Likely pathogenic for CHARGE syndrome. Last evaluated: 2022-04-06. Review status: criteria provided, single submitter. Criteria: Invitae Variant Classification Sherloc (09022015). Collection method: clinical testing. Allele origin: germline.
Comment: In summary, the currently available evidence indicates that the variant is pathogenic, but additional data are needed to prove that conclusively. Therefore, this variant has been classified as Likely Pathogenic. Advanced modeling of protein sequence and biophysical properties (such as structural, functional, and spatial information, amino acid conservation, physicochemical variation, residue mobility, and thermodynamic stability) performed at Invitae indicates that this missense variant is not expected to disrupt CHD7 protein function. This missense change has been observed in individual(s) with Kallmann syndrome (Invitae). In at least one individual the variant was observed to be de novo. This variant is not present in population databases (gnomAD no frequency). This sequence change replaces glutamic acid, which is acidic and polar, with valine, which is neutral and non-polar, at codon 2012 of the CHD7 protein (p.Glu2012Val).